The following is an entry in ClinVar:

ClinVar aggregate classification (germline): Uncertain significance (1 of 4 stars; one submission).

Conditions:
Gorlin syndrome. Also called: Basal cell nevus syndrome; Nevoid Basal Cell Carcinoma Syndrome. Identifiers: Orphanet 377, MedGen C0004779, MONDO:0007187.

gnomAD v4.1: 1 of 1,613,572 alleles (0.000062%); no homozygotes.

Submission:

Labcorp Genetics (formerly Invitae), Labcorp
Classification: Uncertain significance for Gorlin syndrome. Last evaluated: 2025-02-26. Review status: criteria provided, single submitter. Criteria: Invitae Variant Classification Sherloc (09022015). Collection method: clinical testing. Allele origin: germline.
Comment: This sequence change replaces isoleucine, which is neutral and non-polar, with valine, which is neutral and non-polar, at codon 970 of the PTCH2 protein (p.Ile970Val). This variant is not present in population databases (gnomAD no frequency). This variant has not been reported in the literature in individuals affected with PTCH2-related conditions. ClinVar contains an entry for this variant (Variation ID: 2911193). An algorithm developed to predict the effect of missense changes on protein structure and function outputs the following: PolyPhen-2: "Benign". The valine amino acid residue is found in multiple mammalian species, which suggests that this missense change does not adversely affect protein function. In summary, the available evidence is currently insufficient to determine the role of this variant in disease. Therefore, it has been classified as a Variant of Uncertain Significance.

NM_003738.5(PTCH2):c.2908A>G (p.Ile970Val)

Gene: PTCH2 (patched 2; minus strand). Cytogenetic location: 1p34.1.
Variant type: single nucleotide variant.
Coding change: c.2908A>G on transcript NM_003738.5 (MANE Select); coding-DNA position 2908, A replaced by G.
Protein change: p.Ile970Val; replaces isoleucine 970 with valine.
Molecular consequence: missense variant.
Genome position (GRCh38, 1-based): chr1:44,826,556, T>C on the plus strand (A>G on the coding strand, the complement: PTCH2 is on the minus strand). VCF-style: chr1-44826556-T-C. GRCh37 (hg19) VCF-style: chr1-45292228-T-C.
Other names: c.2908A>G, p.Ile970Val (NM_001166292.2); short protein forms I970V.
Identifiers: ClinVar variation 2911193 (VCV002911193.3), dbSNP rs2148874077, ClinGen allele CA340109107.